The following is an entry in ClinVar:

NM_001039591.3(USP9X):c.5595T>G (p.Leu1865=)

Gene: USP9X (ubiquitin specific peptidase 9 X-linked; plus strand). Cytogenetic location: Xp11.4.
Variant type: single nucleotide variant.
Coding change: c.5595T>G on transcript NM_001039591.3 (MANE Select); coding-DNA position 5595, T replaced by G.
Protein change: p.Leu1865=; no amino-acid change (leucine 1865 retained).
Molecular consequence: synonymous variant.
Genome position (GRCh38, 1-based): chrX:41,216,162, T>G. VCF-style: chrX-41216162-T-G. GRCh37 (hg19) VCF-style: chrX-41075415-T-G.
Other names: c.5595T>G, p.Leu1865= (NM_001039590.3); c.5610T>G, p.Leu1870= (NM_001410748.1, NM_001410749.1, NM_001437534.1).
Identifiers: ClinVar variation 4810619 (VCV004810619.1).

ClinVar aggregate classification (germline): Uncertain significance (1 of 4 stars; one submission).

gnomAD v4.1: 2 of 1,211,411 alleles (0.00017%); highest among the groups gnomAD compares: Admixed American, 0.0043%; no homozygotes.

Submission:

Labcorp Genetics (formerly Invitae), Labcorp
Classification: Uncertain significance. Last evaluated: 2025-09-15. Review status: criteria provided, single submitter. Criteria: Invitae Variant Classification Sherloc (09022015). Collection method: clinical testing. Allele origin: germline.
Comment: This sequence change affects codon 1865 of the USP9X mRNA. It is a 'silent' change, meaning that it does not change the encoded amino acid sequence of the USP9X protein. This variant is present in population databases (no rsID available, gnomAD 0.004%). This variant has not been reported in the literature in individuals affected with USP9X-related conditions. Algorithms developed to predict the effect of sequence changes on RNA splicing suggest that this variant may create or strengthen a splice site. In summary, the available evidence is currently insufficient to determine the role of this variant in disease. Therefore, it has been classified as a Variant of Uncertain Significance.